The following is an entry in ClinVar:

ClinVar aggregate classification (germline): Uncertain significance. Review status: criteria provided, multiple submitters, no conflicts (2 of 4 stars). 2 submissions from 2 submitters: Uncertain significance (2). Last evaluated 2026-04-01.

Allele frequency attached by ClinVar (database versions not stated): gnomAD 0.00001; gnomAD exomes 0.00002; ExAC 0.00003.
gnomAD v4.1: 28 of 1,612,514 alleles (0.0017%); highest among the groups gnomAD compares: Admixed American, 0.0067%; no homozygotes.

Submissions (2):

CeGaT Center for Human Genetics Tuebingen
Classification: Uncertain significance. Last evaluated: 2026-04-01. Review status: criteria provided, single submitter. Criteria: CeGaT Center For Human Genetics Tuebingen Variant Classification Criteria Version 2. Collection method: clinical testing. Allele origin: germline. Affected: yes. Observed: 1 variant allele.

Labcorp Genetics (formerly Invitae), Labcorp
Classification: Uncertain significance. Last evaluated: 2024-12-30. Review status: criteria provided, single submitter. Criteria: Invitae Variant Classification Sherloc (09022015). Collection method: clinical testing. Allele origin: germline.
Comment: This sequence change replaces arginine, which is basic and polar, with histidine, which is basic and polar, at codon 1901 of the CACNA1E protein (p.Arg1901His). This variant is present in population databases (rs747480727, gnomAD 0.01%). This variant has not been reported in the literature in individuals affected with CACNA1E-related conditions. ClinVar contains an entry for this variant (Variation ID: 1918158). Invitae Evidence Modeling of protein sequence and biophysical properties (such as structural, functional, and spatial information, amino acid conservation, physicochemical variation, residue mobility, and thermodynamic stability) has been performed for this missense variant. However, the output from this modeling did not meet the statistical confidence thresholds required to predict the impact of this variant on CACNA1E protein function. In summary, the available evidence is currently insufficient to determine the role of this variant in disease. Therefore, it has been classified as a Variant of Uncertain Significance.

NM_001205293.3(CACNA1E):c.5702G>A (p.Arg1901His)

Gene: CACNA1E (calcium voltage-gated channel subunit alpha1 E; plus strand). Cytogenetic location: 1q25.3.
Variant type: single nucleotide variant.
Coding change: c.5702G>A on transcript NM_001205293.3 (MANE Select); coding-DNA position 5702, G replaced by A.
Protein change: p.Arg1901His; replaces arginine 1901 with histidine.
Molecular consequence: missense variant.
Genome position (GRCh38, 1-based): chr1:181,785,735, G>A. VCF-style: chr1-181785735-G-A. GRCh37 (hg19) VCF-style: chr1-181754871-G-A.
Other names: c.5702G>A, p.Arg1901His (NM_000721.4); c.5645G>A, p.Arg1882His (NM_001205294.2); short protein forms R1901H, R1882H.
Identifiers: ClinVar variation 1918158 (VCV001918158.7), dbSNP rs747480727, ClinGen allele CA1276176.